The following is an entry in ClinVar:

ClinVar aggregate classification (germline): Likely pathogenic (1 of 4 stars; one submission).

Conditions:
Fanconi anemia (FA). Also called: Fanconi's anemia. Identifiers: Orphanet 84, MedGen C0015625, MeSH D005199, MONDO:0019391.

Submission:

Labcorp Genetics (formerly Invitae), Labcorp
Classification: Likely pathogenic for Fanconi anemia. Last evaluated: 2023-11-05. Review status: criteria provided, single submitter. Criteria: Invitae Variant Classification Sherloc (09022015). Collection method: clinical testing. Allele origin: germline.
Comment: This sequence change affects a donor splice site in intron 22 of the FANCI gene. It is expected to disrupt RNA splicing. Variants that disrupt the donor or acceptor splice site typically lead to a loss of protein function (PMID: 16199547), and loss-of-function variants in FANCI are known to be pathogenic (PMID: 17452773, 17460694). This variant is not present in population databases (gnomAD no frequency). Disruption of this splice site has been observed in individual(s) with breast cancer (PMID: 34601666). Algorithms developed to predict the effect of sequence changes on RNA splicing suggest that this variant may disrupt the consensus splice site. In summary, the currently available evidence indicates that the variant is pathogenic, but additional data are needed to prove that conclusively. Therefore, this variant has been classified as Likely Pathogenic.

Literature cited by the submitters: PubMed 16199547; PubMed 17452773; PubMed 17460694; PubMed 34601666.

NM_001113378.2(FANCI):c.2291+1G>A

Gene: FANCI (FA complementation group I; plus strand). Cytogenetic location: 15q26.1.
Variant type: single nucleotide variant.
Coding change: c.2291+1G>A on transcript NM_001113378.2 (MANE Select); the canonical splice donor site of the intron after coding-DNA position 2291, G replaced by A.
Molecular consequence: splice donor variant.
Genome position (GRCh38, 1-based): chr15:89,293,064, G>A. VCF-style: chr15-89293064-G-A. GRCh37 (hg19) VCF-style: chr15-89836295-G-A.
Other names: c.2291+1G>A (NM_018193.3, NM_001376911.1); c.2012+1G>A (NM_001376910.1).
Identifiers: ClinVar variation 2693532 (VCV002693532.3), dbSNP rs2507402611, ClinGen allele CA393749584.